The following is an entry in ClinVar:

NM_000260.4(MYO7A):c.5743-10C>T

Gene: MYO7A (myosin VIIA; plus strand). Cytogenetic location: 11q13.5.
Variant type: single nucleotide variant.
Coding change: c.5743-10C>T on transcript NM_000260.4 (MANE Select); 10 bases into the intron before coding-DNA position 5743, C replaced by T.
Molecular consequence: intron variant.
Genome position (GRCh38, 1-based): chr11:77,207,279, C>T. VCF-style: chr11-77207279-C-T. GRCh37 (hg19) VCF-style: chr11-76918324-C-T.
Other names: c.5596-10C>T (NM_001369365.1); c.5629-10C>T (NM_001127180.2); c.5743-10C>T (NM_000260.3).
Identifiers: ClinVar variation 1159271 (VCV001159271.11), dbSNP rs764914158, ClinGen allele CA224854951.

ClinVar aggregate classification (germline): Likely benign. Review status: criteria provided, multiple submitters, no conflicts (2 of 4 stars). 3 submissions from 3 submitters: Likely benign (3). Last evaluated 2026-04-27.

Conditions:
MYO7A-related disorder. Also called: MYO7A-related disorders.

gnomAD v4.1: 8 of 1,598,408 alleles (0.0005%); highest among the groups gnomAD compares: Admixed American, 0.01%; no homozygotes.

Submissions (3):

PreventionGenetics, part of Exact Sciences
Classification: Likely benign for MYO7A-related condition. Last evaluated: 2026-04-27. Review status: criteria provided, single submitter. Criteria: ACMG Guidelines, 2015. Collection method: clinical testing. Allele origin: germline.
Comment: This variant is classified as likely benign based on ACMG/AMP sequence variant interpretation guidelines (Richards et al. 2015 PMID: 25741868, with internal and published modifications).

Labcorp Genetics (formerly Invitae), Labcorp
Classification: Likely benign. Last evaluated: 2025-10-03. Review status: criteria provided, single submitter. Criteria: Invitae Variant Classification Sherloc (09022015). Collection method: clinical testing. Allele origin: germline.

Blueprint Genetics
Classification: Likely benign. Last evaluated: 2018-11-16. Review status: criteria provided, single submitter. Criteria: ACMG Guidelines, 2015. Collection method: clinical testing. Allele origin: germline.